The following is an entry in ClinVar:

NM_004082.5(DCTN1):c.73C>T (p.Arg25Trp)

Gene: DCTN1 (dynactin subunit 1; minus strand). Cytogenetic location: 2p13.1.
Variant type: single nucleotide variant.
Coding change: c.73C>T on transcript NM_004082.5 (MANE Select); coding-DNA position 73, C replaced by T.
Protein change: p.Arg25Trp; replaces arginine 25 with tryptophan.
Molecular consequence: missense variant. On other transcripts: non-coding transcript variant (1).
Genome position (GRCh38, 1-based): chr2:74,378,206, G>A on the plus strand (C>T on the coding strand, the complement: DCTN1 is on the minus strand). VCF-style: chr2-74378206-G-A. GRCh37 (hg19) VCF-style: chr2-74605333-G-A.
Other names: c.73C>T, p.Arg25Trp (NM_001135040.3, NM_001190837.2); c.22C>T, p.Arg8Trp (NM_001190836.2, NM_001378991.1, NM_001378992.1); short protein forms R25W, R8W.
Identifiers: ClinVar variation 1482795 (VCV001482795.21), dbSNP rs756611519, ClinGen allele CA1722607.

ClinVar aggregate classification (germline): Conflicting classifications of pathogenicity. Review status: criteria provided, conflicting classifications (1 of 4 stars). 2 submissions from 2 submitters: Likely pathogenic (1); Uncertain significance (1). Last evaluated 2025-01-26.

Conditions:
Perry syndrome. Also called: PARKINSONISM WITH ALVEOLAR HYPOVENTILATION AND MENTAL DEPRESSION. Identifiers: Orphanet 178509, MedGen C1868594, MONDO:0008201, OMIM 168605.
Amyotrophic lateral sclerosis type 1 (ALS1). Also called: AMYOTROPHIC LATERAL SCLEROSIS 1, FAMILIAL. Identifiers: Orphanet 803, MedGen C1862939, MONDO:0007103, OMIM 105400.
Neuronopathy, distal hereditary motor, type 7B. Also called: HMN VIIB; Distal Hereditary Motor Neuronopathy Type 7B (dHMN7B); LOWER MOTOR NEURON DISEASE, DYNACTIN TYPE; NEURONOPATHY, DISTAL HEREDITARY MOTOR, AUTOSOMAL DOMINANT 14; NEURONOPATHY, DISTAL HEREDITARY MOTOR, HARDING TYPE VIIB; NEUROPATHY, DISTAL HEREDITARY MOTOR, HARDING TYPE VIIB. Identifiers: Orphanet 139589, MedGen C1843315, MONDO:0011879, OMIM 607641.

Allele frequency attached by ClinVar (database versions not stated): gnomAD exomes 0.00001 and 0.00002; ExAC 0.00002; gnomAD 0.00003; TOPMed 0.00003.

Submissions (2):

Labcorp Genetics (formerly Invitae), Labcorp
Classification: Uncertain significance for Amyotrophic lateral sclerosis type 1; Neuronopathy, distal hereditary motor, type 7B; Perry syndrome. Last evaluated: 2025-01-26. Review status: criteria provided, single submitter. Criteria: Invitae Variant Classification Sherloc (09022015). Collection method: clinical testing. Allele origin: germline.
Comment: This sequence change replaces arginine, which is basic and polar, with tryptophan, which is neutral and slightly polar, at codon 25 of the DCTN1 protein (p.Arg25Trp). This variant is present in population databases (rs756611519, gnomAD 0.01%). This variant has not been reported in the literature in individuals affected with DCTN1-related conditions. ClinVar contains an entry for this variant (Variation ID: 1482795). Invitae Evidence Modeling of protein sequence and biophysical properties (such as structural, functional, and spatial information, amino acid conservation, physicochemical variation, residue mobility, and thermodynamic stability) indicates that this missense variant is not expected to disrupt DCTN1 protein function with a negative predictive value of 95%. In summary, the available evidence is currently insufficient to determine the role of this variant in disease. Therefore, it has been classified as a Variant of Uncertain Significance.

Department of Neurology, Xijing Hospital, Fourth Military Medical University
Classification: Likely pathogenic for Perry syndrome. Last evaluated: 2022-03-01. Review status: criteria provided, single submitter. Criteria: ACMG Guidelines, 2015. Collection method: clinical testing. Allele origin: germline.